The following is an entry in ClinVar:

NM_003748.4(ALDH4A1):c.1678G>T (p.Ala560Ser)

Gene: ALDH4A1 (aldehyde dehydrogenase 4 family member A1; minus strand). Cytogenetic location: 1p36.13.
Variant type: single nucleotide variant.
Coding change: c.1678G>T on transcript NM_003748.4 (MANE Select); coding-DNA position 1678, G replaced by T.
Protein change: p.Ala560Ser; replaces alanine 560 with serine.
Molecular consequence: missense variant.
Genome position (GRCh38, 1-based): chr1:18,872,859, C>A on the plus strand (G>T on the coding strand, the complement: ALDH4A1 is on the minus strand). VCF-style: chr1-18872859-C-A. GRCh37 (hg19) VCF-style: chr1-19199353-C-A.
Other names: c.1498G>T, p.Ala500Ser (NM_001161504.2); c.1525G>T, p.Ala509Ser (NM_001319218.2); c.1678G>T, p.Ala560Ser (NM_170726.3); short protein forms A560S, A500S, A509S.
Identifiers: ClinVar variation 2268275 (VCV002268275.3), dbSNP rs776207072, ClinGen allele CA646790.

ClinVar aggregate classification (germline): Conflicting classifications of pathogenicity. Review status: criteria provided, conflicting classifications (1 of 4 stars). 2 submissions from 2 submitters: Uncertain significance (1); Likely benign (1). Last evaluated 2024-04-09.

gnomAD v4.1: 57 of 1,613,690 alleles (0.0035%); highest among the groups gnomAD compares: Non-Finnish European, 0.0048%; no homozygotes.

Submissions (2):

GeneDx
Classification: Uncertain significance. Last evaluated: 2024-04-09. Review status: criteria provided, single submitter. Criteria: GeneDx Variant Classification Process June 2021. Collection method: clinical testing. Allele origin: germline. Affected: yes.
Comment: In silico analysis indicates that this missense variant does not alter protein structure/function; Has not been previously published as pathogenic or benign to our knowledge

Ambry Genetics
Classification: Likely benign. Last evaluated: 2021-12-20. Review status: criteria provided, single submitter. Criteria: Ambry Variant Classification Scheme 2023. Collection method: clinical testing. Allele origin: germline.